The following is an entry in ClinVar:

NM_000465.4(BARD1):c.1032T>A (p.Ser344Arg)

Gene: BARD1 (BRCA1 associated RING domain 1; minus strand). Cytogenetic location: 2q35.
Variant type: single nucleotide variant.
Coding change: c.1032T>A on transcript NM_000465.4 (MANE Select); coding-DNA position 1032, T replaced by A.
Protein change: p.Ser344Arg; replaces serine 344 with arginine.
Molecular consequence: missense variant. On other transcripts: non-coding transcript variant (2), intron variant (3).
Genome position (GRCh38, 1-based): chr2:214,780,842, A>T on the plus strand (T>A on the coding strand, the complement: BARD1 is on the minus strand). VCF-style: chr2-214780842-A-T. GRCh37 (hg19) VCF-style: chr2-215645566-A-T.
Other names: c.975T>A, p.Ser325Arg (NM_001282543.2); c.159-28287T>A (NM_001282548.2); c.215+16219T>A (NM_001282545.2); c.364+11455T>A (NM_001282549.2); short protein forms S344R, S325R.
Identifiers: ClinVar variation 406756 (VCV000406756.26), dbSNP rs1060501293, ClinGen allele CA16610651.
Genomic context (GRCh38, chr2:214,780,842, plus strand): 5'-TGAAGAACATTCAGGCAATGGTATATTTTCTGAGGGCACCGTTTGCTTAACAAAATCTCC[A>T]CTGGTGCTCAGAATGCTGGTTCTACATCTCTTAGAAATGGGACTGGAAAGTCTATTGTGA-3'
Protein context (NP_000456.2, residues 334-354): KRCRTSILST[Ser344Arg]GDFVKQTVPS

ClinVar aggregate classification (germline): Conflicting classifications of pathogenicity. Review status: criteria provided, conflicting classifications (1 of 4 stars). 7 submissions from 7 submitters: Uncertain significance (5); Likely benign (2). Last evaluated 2025-12-30.

Conditions:
BARD1-related cancer predisposition. Identifiers: MedGen CN377756, MONDO:0700267.
Hereditary cancer-predisposing syndrome. Also called: Hereditary Cancer Syndrome; Hereditary neoplastic syndrome; Neoplastic Syndromes, Hereditary; Tumor predisposition. Identifiers: Orphanet 140162, MedGen C0027672, MeSH D009386, MONDO:0015356.
Hereditary breast ovarian cancer syndrome. Also called: BRCA1- and BRCA2-Associated Hereditary Breast and Ovarian Cancer; Hereditary breast and ovarian cancer syndrome (HBOC); Hereditary breast and ovarian cancer; Hereditary breast and ovarian cancer syndrome; Breast and ovarian cancer; Hereditary breast and/or ovarian cancer syndrome. Identifiers: Orphanet 145, MedGen C0677776, MeSH D061325, MONDO:0003582. Disease mechanism: loss of function.
Familial cancer of breast. Also called: BREAST CANCER, FAMILIAL; Hereditary breast cancer; hereditary breast carcinoma. Identifiers: Orphanet 227535, MedGen C0346153, MONDO:0016419, OMIM 114480. Disease mechanism: loss of function.

Allele frequency attached by ClinVar (database versions not stated): TOPMed below 0.00001; gnomAD 0.00001; gnomAD exomes 0.00001.
gnomAD v4.1: 9 of 1,613,990 alleles (0.00056%); highest among the groups gnomAD compares: Non-Finnish European, 0.00076%; no homozygotes.

Submissions (7):

Labcorp Genetics (formerly Invitae), Labcorp
Classification: Uncertain significance for Familial cancer of breast. Last evaluated: 2025-12-30. Review status: criteria provided, single submitter. Criteria: Invitae Variant Classification Sherloc (09022015). Collection method: clinical testing. Allele origin: germline.
Comment: This sequence change replaces serine, which is neutral and polar, with arginine, which is basic and polar, at codon 344 of the BARD1 protein (p.Ser344Arg). This variant is not present in population databases (gnomAD no frequency). This variant has not been reported in the literature in individuals affected with BARD1-related conditions. ClinVar contains an entry for this variant (Variation ID: 406756). An algorithm developed to predict the effect of missense changes on protein structure and function outputs the following: PolyPhen-2: "Benign". The arginine amino acid residue is found in multiple mammalian species, which suggests that this missense change does not adversely affect protein function. In summary, the available evidence is currently insufficient to determine the role of this variant in disease. Therefore, it has been classified as a Variant of Uncertain Significance.

German Consortium for Hereditary Breast and Ovarian Cancer, University Hospital Cologne
Classification: Likely benign for Hereditary breast ovarian cancer syndrome. Last evaluated: 2025-10-14. Review status: criteria provided, single submitter. Criteria: ACMG Guidelines, 2015. Collection method: curation. Allele origin: germline.
Comment: This classification follows the ACMG SVI adaptation classification scheme; We chose these criteria: BP1 (supporting benign): missense variant in gene where primarily truncating variants cause disease, BP4 (supporting benign): REVEL 0,082

Quest Diagnostics Nichols Institute San Juan Capistrano
Classification: Uncertain significance. Last evaluated: 2025-02-28. Review status: criteria provided, single submitter. Criteria: Quest Diagnostics criteria. Collection method: clinical testing. Allele origin: unknown.
Comment: The BARD1 c.1032T>A (p.Ser344Arg) variant has been reported in the published literature in individuals with breast cancer as well as reportedly healthy individuals (PMID: 33471991 (2021), see also LOVD). The frequency of this variant in the general population (Genome Aggregation Database) is uninformative in the assessment of its pathogenicity. Analysis of this variant using bioinformatics tools for the prediction of the effect of amino acid changes on protein structure and function yielded predictions that this variant is benign. Based on the available information, we are unable to determine the clinical significance of this variant.

Molecular Pathology, Peter Maccallum Cancer Centre
Classification: Uncertain significance for BARD1-related cancer predisposition. Last evaluated: 2025-01-03. Review status: criteria provided, single submitter. Criteria: ACMG Guidelines, 2015. Collection method: clinical testing. Allele origin: germline. Inheritance: Autosomal dominant inheritance.

Ambry Genetics
Classification: Likely benign for Hereditary cancer-predisposing syndrome. Last evaluated: 2024-08-30. Review status: criteria provided, single submitter. Criteria: Ambry Variant Classification Scheme 2023. Collection method: clinical testing. Allele origin: germline.

GeneDx
Classification: Uncertain significance. Last evaluated: 2024-02-02. Review status: criteria provided, single submitter. Criteria: GeneDx Variant Classification Process June 2021. Collection method: clinical testing. Allele origin: germline. Affected: yes.
Comment: Not observed at significant frequency in large population cohorts (gnomAD); In silico analysis supports that this missense variant does not alter protein structure/function; Has not been previously published as pathogenic or benign to our knowledge

Color Diagnostics, LLC DBA Color Health
Classification: Uncertain significance for Hereditary cancer-predisposing syndrome. Last evaluated: 2023-01-03. Review status: criteria provided, single submitter. Criteria: ACMG Guidelines, 2015. Collection method: clinical testing. Allele origin: germline.
Comment: This missense variant replaces serine with arginine at codon 344 of the BARD1 protein. Computational prediction suggests that this variant may not impact protein structure and function (internally defined REVEL score threshold <= 0.5, PMID: 27666373). To our knowledge, functional studies have not been reported for this variant. This variant has not been reported in individuals affected with hereditary cancer in the literature. This variant has not been identified in the general population by the Genome Aggregation Database (gnomAD). The available evidence is insufficient to determine the role of this variant in disease conclusively. Therefore, this variant is classified as a Variant of Uncertain Significance.

Literature cited by the submitters: PubMed 33471991 (cited by Quest Diagnostics Nichols Institute San Juan Capistrano).